The following is an entry in ClinVar:

ClinVar aggregate classification (germline): Uncertain significance. Review status: criteria provided, multiple submitters, no conflicts (2 of 4 stars). 2 submissions from 2 submitters: Uncertain significance (2). Last evaluated 2021-08-11.

Conditions:
Primary ciliary dyskinesia. Also called: Ciliary dyskinesia. Identifiers: Orphanet 244, MedGen C0008780, MONDO:0016575, HP:0012265.

Allele frequency attached by ClinVar (database versions not stated): ExAC 0.00001; gnomAD exomes 0.00001.

Submissions (2):

Labcorp Genetics (formerly Invitae), Labcorp
Classification: Uncertain significance for Primary ciliary dyskinesia. Last evaluated: 2021-08-11. Review status: criteria provided, single submitter. Criteria: Invitae Variant Classification Sherloc (09022015). Collection method: clinical testing. Allele origin: germline.
Comment: This variant has not been reported in the literature in individuals affected with DNAAF1-related conditions. Algorithms developed to predict the effect of missense changes on protein structure and function (SIFT, PolyPhen-2, Align-GVGD) all suggest that this variant is likely to be disruptive. In summary, the available evidence is currently insufficient to determine the role of this variant in disease. Therefore, it has been classified as a Variant of Uncertain Significance. This variant is present in population databases (rs536922836, ExAC 0.009%). This sequence change replaces arginine with tryptophan at codon 314 of the DNAAF1 protein (p.Arg314Trp). The arginine residue is highly conserved and there is a moderate physicochemical difference between arginine and tryptophan.

Ambry Genetics
Classification: Uncertain significance for Primary ciliary dyskinesia. Last evaluated: 2021-07-22. Review status: criteria provided, single submitter. Criteria: Ambry Variant Classification Scheme 2023. Collection method: clinical testing. Allele origin: germline.
Comment: The p.R314W variant (also known as c.940C>T), located in coding exon 7 of the DNAAF1 gene, results from a C to T substitution at nucleotide position 940. The arginine at codon 314 is replaced by tryptophan, an amino acid with dissimilar properties. This amino acid position is conserved. In addition, this alteration is predicted to be tolerated by in silico analysis. Since supporting evidence is limited at this time, the clinical significance of this alteration remains unclear.

NM_178452.6(DNAAF1):c.940C>T (p.Arg314Trp)

Gene: DNAAF1 (dynein axonemal assembly factor 1; plus strand). Cytogenetic location: 16q24.1.
Variant type: single nucleotide variant.
Coding change: c.940C>T on transcript NM_178452.6 (MANE Select); coding-DNA position 940, C replaced by T.
Protein change: p.Arg314Trp; replaces arginine 314 with tryptophan.
Molecular consequence: missense variant.
Genome position (GRCh38, 1-based): chr16:84,165,859, C>T. VCF-style: chr16-84165859-C-T. GRCh37 (hg19) VCF-style: chr16-84199465-C-T.
Other names: c.184C>T, p.Arg62Trp (NM_001318756.1); short protein forms R62W, R314W.
Identifiers: ClinVar variation 1350784 (VCV001350784.8), dbSNP rs536922836, ClinGen allele CA8202666.